The following is an entry in ClinVar:

ClinVar aggregate classification (germline): Likely benign (1 of 4 stars; one submission).

Conditions:
MAP3K15-related disorder. Also called: MAP3K15-related condition.

gnomAD v4.1: 36 of 1,190,785 alleles (0.003%); highest among the groups gnomAD compares: South Asian, 0.0053%; no homozygotes.

Submission:

PreventionGenetics, part of Exact Sciences
Classification: Likely benign for MAP3K15-related condition. Last evaluated: 2025-08-24. Review status: criteria provided, single submitter. Criteria: ACMG Guidelines, 2015. Collection method: clinical testing. Allele origin: germline.
Comment: This variant is classified as likely benign based on ACMG/AMP sequence variant interpretation guidelines (Richards et al. 2015 PMID: 25741868, with internal and published modifications).

NM_001001671.4(MAP3K15):c.981G>A (p.Ala327=)

Gene: MAP3K15 (mitogen-activated protein kinase kinase kinase 15; minus strand). Cytogenetic location: Xp22.12.
Variant type: single nucleotide variant.
Coding change: c.981G>A on transcript NM_001001671.4 (MANE Select); coding-DNA position 981, G replaced by A.
Protein change: p.Ala327=; no amino-acid change (alanine 327 retained).
Molecular consequence: synonymous variant.
Genome position (GRCh38, 1-based): chrX:19,456,927, C>T on the plus strand (G>A on the coding strand, the complement: MAP3K15 is on the minus strand). VCF-style: chrX-19456927-C-T. GRCh37 (hg19) VCF-style: chrX-19475045-C-T.
Identifiers: ClinVar variation 4980666 (VCV004980666.1).